The following is an entry in ClinVar:

NM_001010867.4(IBA57):c.*19G>A

Gene: IBA57 (iron-sulfur cluster assembly factor IBA57; plus strand). Cytogenetic location: 1q42.13.
Variant type: single nucleotide variant.
Coding change: c.*19G>A on transcript NM_001010867.4 (MANE Select); 19 bases downstream of the stop codon, G replaced by A.
Molecular consequence: 3 prime UTR variant.
Genome position (GRCh38, 1-based): chr1:228,175,532, G>A. VCF-style: chr1-228175532-G-A. GRCh37 (hg19) VCF-style: chr1-228363233-G-A.
Other names: c.*19G>A (NM_001310327.2).
Identifiers: ClinVar variation 386037 (VCV000386037.2), dbSNP rs56137152, ClinGen allele CA1431328.
Genomic context (GRCh38, chr1:228,175,532, plus strand): 5'-GCCGCATCTGTGCCAGACTGGTGGCCTACAGTCTCCAAGTAGTCCGAAGCCTTGGCTGGC[G>A]CAGGCTGATGGGGAGGCTGGGGCCTGGGGCCTTTGGCCTCTGTCCAGGGTCTTCCCGTCC-3'

ClinVar aggregate classification (germline): Benign. Review status: criteria provided, multiple submitters, no conflicts (2 of 4 stars). 2 submissions from 2 submitters: Benign (2). Last evaluated 2016-06-29.

Allele frequency attached by ClinVar (database versions not stated): ESP Exome Variant Server 0.00693; gnomAD 0.00712 and 0.00758; TOPMed 0.00750; 1000 Genomes Project 0.00819; 1000 Genomes Project 30x 0.00874.

Submissions (2):

GeneDx
Classification: Benign. Last evaluated: 2016-06-29. Review status: criteria provided, single submitter. Criteria: GeneDx Variant Classification (06012015). Collection method: clinical testing. Allele origin: germline. Affected: yes.
Comment: This variant is considered likely benign or benign based on one or more of the following criteria: it is a conservative change, it occurs at a poorly conserved position in the protein, it is predicted to be benign by multiple in silico algorithms, and/or has population frequency not consistent with disease.

Breakthrough Genomics
Classification: Benign. Review status: criteria provided, single submitter. Criteria: ACMG Guidelines, 2015. Collection method: not provided. Allele origin: germline. Inheritance: Autosomal recessive inheritance. Affected: yes.